The following is an entry in ClinVar:

ClinVar aggregate classification (germline): Likely benign (1 of 4 stars; one submission).

Submissions (5):

Mayo Clinic Laboratories, Mayo Clinic
Classification: Likely benign. Last evaluated: 2025-10-17. Review status: criteria provided, single submitter. Criteria: ACMG Guidelines, 2015. Collection method: clinical testing. Allele origin: germline. Observed: 6 variant alleles.
Comment: BS1, BP4, BP7

Dr. Peter K. Rogan Lab, Western University
No classification provided (evidence only). Condition: Familial cancer of breast. Review status: no classification provided. Collection method: in vitro. Allele origin: not applicable. Functional consequence: retained intron. Not counted in ClinVar's aggregate classification.

Dr. Peter K. Rogan Lab, Western University
No classification provided (evidence only). Condition: Familial cancer of breast. Review status: no classification provided. Collection method: in vitro. Allele origin: not applicable. Functional consequence: skipped exon. Not counted in ClinVar's aggregate classification.

Dr. Peter K. Rogan Lab, Western University
No classification provided (evidence only). Condition: Familial cancer of breast. Review status: no classification provided. Collection method: in vitro. Allele origin: not applicable. Functional consequence: retained intron. Not counted in ClinVar's aggregate classification.

Dr. Peter K. Rogan Lab, Western University
No classification provided (evidence only). Condition: Gastric cancer. Review status: no classification provided. Collection method: in vitro. Allele origin: not applicable. Functional consequence: retained intron. Not counted in ClinVar's aggregate classification.

NM_000288.4(PEX7):c.748-17del

Gene: PEX7 (peroxisomal biogenesis factor 7; plus strand). Cytogenetic location: 6q23.3.
Variant type: Deletion.
Coding change: c.748-17del on transcript NM_000288.4 (MANE Select); 17 bases into the intron before coding-DNA position 748, one base deleted (T; older notation c.748-17delT).
Molecular consequence: intron variant.
Genome position (GRCh38, 1-based): chr6:136,872,181, T deleted; the last of 10 consecutive T bases (chr6:136,872,172-136,872,181); deleting any one gives the same sequence. VCF-style (leftmost placement, unchanged base first): chr6-136872171-GT-G. GRCh37 (hg19) VCF-style: chr6-137193309-GT-G.
Other names: NC_000006.11:g.137193319del; c.634-17del (NM_001410945.1).
Identifiers: ClinVar variation 4289599 (VCV004289599.2).